The following is an entry in ClinVar:

NM_005883.3(APC2):c.3362C>T (p.Ser1121Leu)

Gene: APC2 (APC regulator of Wnt signaling pathway 2; plus strand). Cytogenetic location: 19p13.3.
Variant type: single nucleotide variant.
Coding change: c.3362C>T on transcript NM_005883.3 (MANE Select); coding-DNA position 3362, C replaced by T.
Protein change: p.Ser1121Leu; replaces serine 1121 with leucine.
Molecular consequence: missense variant.
Genome position (GRCh38, 1-based): chr19:1,466,663, C>T. VCF-style: chr19-1466663-C-T. GRCh37 (hg19) VCF-style: chr19-1466662-C-T.
Other names: c.3359C>T, p.Ser1120Leu (NM_001351273.1); short protein forms S1121L, S1120L.
Identifiers: ClinVar variation 2057441 (VCV002057441.4), dbSNP rs1335942683, ClinGen allele CA403029233.

ClinVar aggregate classification (germline): Uncertain significance (1 of 4 stars; one submission).

Allele frequency attached by ClinVar (database versions not stated): gnomAD 0.00001; TOPMed 0.00001.
gnomAD v4.1: 6 of 1,497,478 alleles (0.0004%); highest among the groups gnomAD compares: Admixed American, 0.0021%; no homozygotes.

Submission:

Labcorp Genetics (formerly Invitae), Labcorp
Classification: Uncertain significance. Last evaluated: 2022-01-27. Review status: criteria provided, single submitter. Criteria: Invitae Variant Classification Sherloc (09022015). Collection method: clinical testing. Allele origin: germline.
Comment: This variant is not present in population databases (gnomAD no frequency). In summary, the available evidence is currently insufficient to determine the role of this variant in disease. Therefore, it has been classified as a Variant of Uncertain Significance. Algorithms developed to predict the effect of missense changes on protein structure and function are either unavailable or do not agree on the potential impact of this missense change (SIFT: "Deleterious"; PolyPhen-2: "Benign"; Align-GVGD: "Class C25"). This variant has not been reported in the literature in individuals affected with APC2-related conditions. This sequence change replaces serine, which is neutral and polar, with leucine, which is neutral and non-polar, at codon 1121 of the APC2 protein (p.Ser1121Leu).